The following is an entry in ClinVar:

NM_001128228.3(TPRN):c.1730_1732del (p.Lys577del)

Gene: TPRN (taperin; minus strand). Cytogenetic location: 9q34.3.
Variant type: Deletion.
Coding change: c.1730_1732del on transcript NM_001128228.3 (MANE Select); coding-DNA positions 1730 to 1732, 3 bases deleted (AGA; older notation c.1730_1732delAGA).
Protein change: p.Lys577del; deletes lysine 577.
Molecular consequence: inframe deletion.
Genome position (GRCh38, 1-based): chr9:137,192,685-137,192,687, TCT deleted on the plus strand (AGA on the coding strand, the reverse complement: TPRN is on the minus strand); deleting any 3 consecutive bases within chr9:137,192,685-137,192,689 gives the same sequence; the c. name uses the placement nearest the transcript's 3' end. VCF-style (leftmost placement, unchanged base first): chr9-137192684-ATCT-A. GRCh37 (hg19) VCF-style: chr9-140087136-ATCT-A.
Other names: c.1730_1732del (NM_001128228.2); c.1730_1732delAGA (NM_001128228.2); short protein forms K577del.
Identifiers: ClinVar variation 505842 (VCV000505842.6), dbSNP rs769707569, ClinGen allele CA5362652.

ClinVar aggregate classification (germline): Uncertain significance. Review status: criteria provided, multiple submitters, no conflicts (2 of 4 stars). 2 submissions from 2 submitters: Uncertain significance (2). Last evaluated 2025-05-06.

Submissions (2):

GeneDx
Classification: Uncertain significance. Last evaluated: 2025-05-06. Review status: criteria provided, single submitter. Criteria: GeneDx Variant Classification Process June 2021. Collection method: clinical testing. Allele origin: germline. Affected: yes.
Comment: In-frame deletion of 1 amino acids in a non-repeat region; In silico analysis supports a deleterious effect on protein structure/function; Has not been previously published as pathogenic or benign to our knowledge

Laboratory for Molecular Medicine, Mass General Brigham Personalized Medicine
Classification: Uncertain significance. Last evaluated: 2018-06-27. Review status: criteria provided, single submitter. Criteria: LMM Criteria. Collection method: clinical testing. Allele origin: germline. Observed: 2 variant alleles.
Comment: It has been identified in 21/34412 of Latino chromosomes by the Genome Aggregation Database (gnomAD; dbSNP rs769707569). This variant is a deletion of a single amino aci d at position 577 and is not predicted to alter the protein reading frame. It is unclear if this deletion would impact the normal function of the protein. In su mmary, the clinical significance of the p.Lys577del variant is uncertain. ACMG/A MP Criteria applied: PM2_Supporting.